The following is an entry in ClinVar:

ClinVar aggregate classification (germline): Uncertain significance (1 of 4 stars; one submission).

Submission:

GeneDx
Classification: Uncertain significance. Last evaluated: 2025-01-27. Review status: criteria provided, single submitter. Criteria: GeneDx Variant Classification Process June 2021. Collection method: clinical testing. Allele origin: germline.
Comment: Not observed at significant frequency in large population cohorts (gnomAD); Has not been previously published as pathogenic or benign to our knowledge; In-silico analysis is inconclusive as to whether the variant impacts protein structure/function. In the absence of functional studies, the actual effect of this sequence change is unknown

NM_019066.5(MAGEL2):c.497G>A (p.Gly166Glu)

Gene: MAGEL2 (MAGE family member L2; minus strand). Cytogenetic location: 15q11.2.
Variant type: single nucleotide variant.
Coding change: c.497G>A on transcript NM_019066.5 (MANE Select); coding-DNA position 497, G replaced by A.
Protein change: p.Gly166Glu; replaces glycine 166 with glutamic acid.
Molecular consequence: missense variant.
Genome position (GRCh38, 1-based): chr15:23,647,246, C>T on the plus strand (G>A on the coding strand, the complement: MAGEL2 is on the minus strand). VCF-style: chr15-23647246-C-T. GRCh37 (hg19) VCF-style: chr15-23892393-C-T.
Other names: short protein forms G166E.
Identifiers: ClinVar variation 3360958 (VCV003360958.2).
Genomic context (GRCh38, chr15:23,647,246, plus strand): 5'-CCCGGAGGAGGAGGATGCACCATCGGGGTCCCCGGAGGAGGAGGATGGGCCATCGGGGTC[C>T]CCGGAGGAGGAGGATGGGCCATTGGGGTCCCCGGAGGGGGAGGGTGGGACATTGGGGTCC-3'
Protein context (NP_061939.3, residues 156-176): GTPMAHPPPP[Gly166Glu]TPMAHPPPPG